The following is an entry in ClinVar:

NM_015041.3(CLUAP1):c.314A>G (p.Tyr105Cys)

Gene: CLUAP1 (clusterin associated protein 1; plus strand). Cytogenetic location: 16p13.3.
Variant type: single nucleotide variant.
Coding change: c.314A>G on transcript NM_015041.3 (MANE Select); coding-DNA position 314, A replaced by G.
Protein change: p.Tyr105Cys; replaces tyrosine 105 with cysteine.
Molecular consequence: missense variant.
Genome position (GRCh38, 1-based): chr16:3,508,383, A>G. VCF-style: chr16-3508383-A-G. GRCh37 (hg19) VCF-style: chr16-3558383-A-G.
Other names: c.314A>G, p.Tyr105Cys (NM_001330454.2); short protein forms Y105C.
Identifiers: ClinVar variation 1383517 (VCV001383517.6), dbSNP rs770723847, ClinGen allele CA7863681.

ClinVar aggregate classification (germline): Uncertain significance (1 of 4 stars; one submission).

Allele frequency attached by ClinVar (database versions not stated): gnomAD 0.00001; gnomAD exomes 0.00001 and 0.00002; ExAC 0.00002; TOPMed 0.00003.
gnomAD v4.1: 11 of 1,605,572 alleles (0.00069%); highest among the groups gnomAD compares: Admixed American, 0.0087%; no homozygotes.

Submission:

Labcorp Genetics (formerly Invitae), Labcorp
Classification: Uncertain significance. Last evaluated: 2025-07-10. Review status: criteria provided, single submitter. Criteria: Invitae Variant Classification Sherloc (09022015). Collection method: clinical testing. Allele origin: germline.
Comment: This sequence change replaces tyrosine, which is neutral and polar, with cysteine, which is neutral and slightly polar, at codon 105 of the CLUAP1 protein (p.Tyr105Cys). This variant is present in population databases (rs770723847, gnomAD 0.01%). This variant has not been reported in the literature in individuals affected with CLUAP1-related conditions. ClinVar contains an entry for this variant (Variation ID: 1383517). Invitae Evidence Modeling of protein sequence and biophysical properties (such as structural, functional, and spatial information, amino acid conservation, physicochemical variation, residue mobility, and thermodynamic stability) indicates that this missense variant is not expected to disrupt CLUAP1 protein function with a negative predictive value of 80%. In summary, the available evidence is currently insufficient to determine the role of this variant in disease. Therefore, it has been classified as a Variant of Uncertain Significance.